The following is an entry in ClinVar:

NM_001278064.2(GRM1):c.2496T>C (p.Thr832=)

Gene: GRM1 (glutamate metabotropic receptor 1; plus strand). Cytogenetic location: 6q24.3.
Variant type: single nucleotide variant.
Coding change: c.2496T>C on transcript NM_001278064.2 (MANE Select); coding-DNA position 2496, T replaced by C.
Protein change: p.Thr832=; no amino-acid change (threonine 832 retained).
Molecular consequence: synonymous variant.
Genome position (GRCh38, 1-based): chr6:146,399,535, T>C. VCF-style: chr6-146399535-T-C. GRCh37 (hg19) VCF-style: chr6-146720671-T-C.
Other names: p.Thr832=; c.2496T>C, p.Thr832= (NM_001278065.2, NM_001278066.1, NM_001278067.1).
Identifiers: ClinVar variation 585958 (VCV000585958.14), dbSNP rs142675468, ClinGen allele CA4037454.

ClinVar aggregate classification (germline): Benign/Likely benign. Review status: criteria provided, multiple submitters, no conflicts (2 of 4 stars). 5 submissions from 5 submitters: Benign (3); Likely benign (2). Last evaluated 2025-09-10.

Conditions:
Autosomal recessive spinocerebellar ataxia 13. Identifiers: Orphanet 324262, MedGen C3553816, MONDO:0013905, OMIM 614831.
Spinocerebellar ataxia 44. Identifiers: Orphanet 631095, MedGen C4521563, MONDO:0033479, OMIM 617691.

Allele frequency attached by ClinVar (database versions not stated): TOPMed 0.00306; ESP Exome Variant Server 0.00354; gnomAD exomes 0.00068 and 0.00026; ExAC 0.00092; 1000 Genomes Project 0.00200; 1000 Genomes Project 30x 0.00234; gnomAD 0.00275 and 0.00288.
gnomAD v4.1: 821 of 1,614,076 alleles (0.051%); highest among the groups gnomAD compares: African/African-American, 0.97%; 5 homozygotes.

Submissions (5):

Labcorp Genetics (formerly Invitae), Labcorp
Classification: Benign. Last evaluated: 2025-09-10. Review status: criteria provided, single submitter. Criteria: Invitae Variant Classification Sherloc (09022015). Collection method: clinical testing. Allele origin: germline.

Mayo Clinic Laboratories, Mayo Clinic
Classification: Benign. Last evaluated: 2025-01-06. Review status: criteria provided, single submitter. Criteria: ACMG Guidelines, 2015. Collection method: clinical testing. Allele origin: germline. Observed: 1 variant allele.
Comment: BS1, BS2, BP4, BP7

Blueprint Genetics
Classification: Likely benign. Last evaluated: 2024-10-24. Review status: criteria provided, single submitter. Criteria: ACMG Guidelines, 2015. Collection method: clinical testing. Allele origin: germline.

Fulgent Genetics
Classification: Likely benign for Autosomal recessive spinocerebellar ataxia 13; Spinocerebellar ataxia 44. Last evaluated: 2022-01-06. Review status: criteria provided, single submitter. Criteria: ACMG Guidelines, 2015. Collection method: clinical testing. Allele origin: unknown.

Athena Diagnostics
Classification: Benign. Last evaluated: 2018-01-02. Review status: criteria provided, single submitter. Criteria: Athena Diagnostics Criteria. Collection method: clinical testing. Allele origin: germline.